The following is an entry in ClinVar:

ClinVar aggregate classification (germline): Pathogenic (1 of 4 stars; one submission).

Conditions:
Carney-Stratakis syndrome. Also called: PARAGANGLIOMA AND GASTROINTESTINAL STROMAL TUMOR. Identifiers: Orphanet 97286, MedGen C1847319, MONDO:0011740, OMIM 606864.
Pheochromocytoma. Also called: MAX-Related Hereditary Paraganglioma-Pheochromocytoma Syndrome. Identifiers: Orphanet 29072, MedGen C0031511, MONDO:0008233, OMIM 171300, HP:0002666.
Paragangliomas with sensorineural hearing loss. Identifiers: MedGen C1868633.
Cowden syndrome 3 (CWS3). Identifiers: Orphanet 201, MedGen CN166604, MONDO:0014045.

Submission:

Labcorp Genetics (formerly Invitae), Labcorp
Classification: Pathogenic for Carney-Stratakis syndrome; Paragangliomas with sensorineural hearing loss; Pheochromocytoma; Cowden syndrome 3. Last evaluated: 2021-03-08. Review status: criteria provided, single submitter. Criteria: Invitae Variant Classification Sherloc (09022015). Collection method: clinical testing. Allele origin: germline.
Comment: This variant is not present in population databases (ExAC no frequency). This sequence change affects a donor splice site in intron 2 of the SDHD gene. It is expected to disrupt RNA splicing. Variants that disrupt the donor or acceptor splice site typically lead to a loss of protein function (PMID: 16199547), and loss-of-function variants in SDHD are known to be pathogenic (PMID: 19454582, 19802898). Disruption of this splice site has been observed in individual(s) with head and neck paragangliomas (PMID: 16317055, 30050099). This variant is also known as IVS2+1G>T in the literature. For these reasons, this variant has been classified as Pathogenic. Algorithms developed to predict the effect of sequence changes on RNA splicing suggest that this variant may disrupt the consensus splice site, but this prediction has not been confirmed by published transcriptional studies.

Literature cited by the submitters: PubMed 16199547; PubMed 19454582; PubMed 19802898; PubMed 16317055; PubMed 30050099.

NM_003002.4(SDHD):c.169+1G>T

Gene: SDHD (succinate dehydrogenase complex subunit D; plus strand). Cytogenetic location: 11q23.1.
Variant type: single nucleotide variant.
Coding change: c.169+1G>T on transcript NM_003002.4 (MANE Select); the canonical splice donor site of the intron after coding-DNA position 169, G replaced by T.
Molecular consequence: splice donor variant. On other transcripts: intron variant (1).
Genome position (GRCh38, 1-based): chr11:112,087,974, G>T. VCF-style: chr11-112087974-G-T. GRCh37 (hg19) VCF-style: chr11-111958698-G-T.
Other names: c.169+1G>T (NM_001276506.2, NM_001276503.2); c.53-893G>T (NM_001276504.2).
Identifiers: ClinVar variation 1453077 (VCV001453077.8), dbSNP rs2135267557, ClinGen allele CA382617140.